The following is an entry in ClinVar:

NM_007194.4(CHEK2):c.1008G>A (p.Gln336=)

Gene: CHEK2 (checkpoint kinase 2; minus strand). Cytogenetic location: 22q12.1.
Variant type: single nucleotide variant.
Coding change: c.1008G>A on transcript NM_007194.4 (MANE Select); coding-DNA position 1008, G replaced by A.
Protein change: p.Gln336=; no amino-acid change (glutamine 336 retained).
Molecular consequence: synonymous variant.
Genome position (GRCh38, 1-based): chr22:28,699,838, C>T on the plus strand (G>A on the coding strand, the complement: CHEK2 is on the minus strand). VCF-style: chr22-28699838-C-T. GRCh37 (hg19) VCF-style: chr22-29095826-C-T.
Other names: c.1137G>A, p.Gln379= (NM_001005735.3); c.345G>A, p.Gln115= (NM_001257387.3); c.807G>A, p.Gln269= (NM_001349956.3); c.1008G>A, p.Gln336= (NM_145862.3).
Identifiers: ClinVar variation 279766 (VCV000279766.48), dbSNP rs201544715, ClinGen allele CA10167766.

ClinVar aggregate classification (germline): Conflicting classifications of pathogenicity. Review status: criteria provided, conflicting classifications (1 of 4 stars). 15 submissions from 15 submitters: Uncertain significance (13); Likely benign (2). Last evaluated 2026-09-14.

Conditions:
Hereditary breast ovarian cancer syndrome. Also called: Hereditary breast and ovarian cancer syndrome (HBOC); Hereditary breast and/or ovarian cancer syndrome; BRCA1- and BRCA2-Associated Hereditary Breast and Ovarian Cancer; Hereditary breast and ovarian cancer syndrome; Breast and ovarian cancer; Hereditary breast and ovarian cancer. Identifiers: Orphanet 145, MedGen C0677776, MeSH D061325, MONDO:0003582. Disease mechanism: loss of function.
Familial cancer of breast. Also called: Hereditary breast cancer; BREAST CANCER, FAMILIAL; hereditary breast carcinoma. Identifiers: Orphanet 227535, MedGen C0346153, MONDO:0016419, OMIM 114480. Disease mechanism: loss of function.
Hereditary cancer-predisposing syndrome. Also called: Neoplastic Syndromes, Hereditary; Hereditary neoplastic syndrome; Hereditary Cancer Syndrome; Tumor predisposition. Identifiers: Orphanet 140162, MedGen C0027672, MeSH D009386, MONDO:0015356.
CHEK2-related cancer predisposition (TPDS4). Also called: CHEK2-related cancer susceptibility; TUMOR PREDISPOSITION SYNDROME 4; CANCER PREDISPOSITION SYNDROME, CHEK2-RELATED. Identifiers: Orphanet 524, MedGen C5882668, MONDO:0700271, OMIM 609265.

Allele frequency attached by ClinVar (database versions not stated): gnomAD exomes 0.00001; gnomAD 0.00004; ExAC 0.00002; 1000 Genomes Project 30x 0.00031; TOPMed 0.00005.
gnomAD v4.1: 20 of 1,609,806 alleles (0.0012%); highest among the groups gnomAD compares: Admixed American, 0.033%; no homozygotes.

Submissions (15):

Hema, HEMA – Genetic and Molecular Diagnostic Laboratory
Classification: Uncertain significance for CHEK2-related cancer predisposition. Last evaluated: 2026-09-14. Review status: criteria provided, single submitter. Criteria: HEMA Variant Classification Assertion Criteria. Collection method: clinical testing. Allele origin: germline.
Comment: The variant c.1008G>A (p.Gln336Gln) is a transition of cytosine to thymine in the last base of exon 9 of the CHEK2 gene. PP3: According to the splicing predictor SpliceAI, the variant affects splicing (loss of acceptor score = 0.41 ≥ 0.2, loss of donor score = 0.37 ≥ 0.2).

Labcorp Genetics (formerly Invitae), Labcorp
Classification: Likely benign for Familial cancer of breast. Last evaluated: 2026-01-27. Review status: criteria provided, single submitter. Criteria: Invitae Variant Classification Sherloc (09022015). Collection method: clinical testing. Allele origin: germline.

GeneDx
Classification: Uncertain significance. Last evaluated: 2025-11-20. Review status: criteria provided, single submitter. Criteria: GeneDx Variant Classification Process June 2021. Collection method: clinical testing. Allele origin: germline. Affected: yes.
Comment: Not observed at significant frequency in large population cohorts (gnomAD); Observed in individuals with a personal history of breast or other cancers (PMID: 35245693, 25186627, 38061684, 34326862, 38075165); In silico analysis is inconclusive as to whether the variant alters gene splicing. In the absence of RNA/functional studies, the actual effect of this sequence change is unknown.; This variant is associated with the following publications: (PMID: 25186627, 35245693, 38061684, 38075165, 34326862, 35451682)

Women's Health and Genetics/Laboratory Corporation of America, LabCorp
Classification: Uncertain significance. Last evaluated: 2025-11-06. Review status: criteria provided, single submitter. Criteria: LabCorp Variant Classification Summary - May 2015. Collection method: clinical testing. Allele origin: germline.
Comment: Variant summary: CHEK2 c.1008G>A (p.Gln336Gln) alters a conserved nucleotide located close to a canonical splice site and therefore could affect mRNA splicing, leading to a significantly altered protein sequence. Several computational tools predict a significant impact on normal splicing: Two predict the variant abolishes the canonical 5' splice donor site. Two predict the variant weakens the canonical 5' splice donor site. However, these predictions have yet to be confirmed by functional studies. The variant allele was found at a frequency of 1.2e-05 in 251444 control chromosomes. The available data on variant occurrences in the general population are insufficient to allow any conclusion about variant significance. c.1008G>A has been reported in individual(s) affected with Breast Cancer (e.g. Tung_2015, Rosado-Jimenez_2023, Molina-Zayas_2022, Bhai_2021, Castillo-Guardiola_2022). These reports do not provide unequivocal conclusions about association of the variant with Hereditary Breast And Ovarian Cancer Syndrome. Co-occurrence with another pathogenic variant has been observed at our laboratory (BRCA2 c.2808_2811delACAA, p.Ala938fsX21), providing supporting evidence for a benign role. To our knowledge, no experimental evidence demonstrating an impact on protein function has been reported. The following publications have been ascertained in the context of this evaluation (PMID: 34326862, 35245693, 35451682, 38075165, 25186627). ClinVar contains an entry for this variant (Variation ID: 279766). Based on the evidence outlined above, the variant was classified as uncertain significance.

Quest Diagnostics Nichols Institute San Juan Capistrano
Classification: Uncertain significance. Last evaluated: 2025-10-20. Review status: criteria provided, single submitter. Criteria: Quest Diagnostics criteria. Collection method: clinical testing. Allele origin: unknown.
Comment: The CHEK2 c.1008G>A (p.Gln336=) synonymous variant has been reported in the published literature in individuals with breast cancer (PMID: 25186627 (2015)) and sarcoma and thyroid cancer (PMID: 34326862 (2021)). The frequency of this variant in the general population (Genome Aggregation Database) is uninformative in the assessment of its pathogenicity. Analysis of this variant using software algorithms for the prediction of the effect of nucleotide changes on splicing yielded predictions that this variant may affect proper CHEK2 mRNA splicing. Based on the available information, we are unable to determine the clinical significance of this variant.

Myriad Genetics, Inc.
Classification: Likely benign for Familial cancer of breast. Last evaluated: 2025-08-26. Review status: criteria provided, single submitter. Criteria: Myriad Autosomal Dominant, Autosomal Recessive and X-Linked Classification Criteria (2023). Collection method: clinical testing. Allele origin: unknown.
Comment: This variant is considered likely benign. This variant is strongly associated with less severe personal and family histories of cancer, typical for individuals without pathogenic variants in this gene [PMID: 25085752].

Ambry Genetics
Classification: Uncertain significance for Hereditary cancer-predisposing syndrome. Last evaluated: 2025-08-14. Review status: criteria provided, single submitter. Criteria: Ambry Variant Classification Scheme 2023. Collection method: clinical testing. Allele origin: germline.
Comment: The c.1008G>A variant (also known as p.Q336Q), located in coding exon 8 of the CHEK2 gene, results from a G to A substitution at nucleotide position 1008. This nucleotide substitution does not change the glutamine at codon 336. However, this change occurs in the last base pair of coding exon 8, which makes it likely to have some effect on normal mRNA splicing. This nucleotide position is highly conserved in available vertebrate species. In silico splice site analysis predicts that this alteration may weaken the native splice donor site; however, direct evidence is insufficient at this time (Ambry internal data). Based on the available evidence, the clinical significance of this variant remains unclear.

Color Diagnostics, LLC DBA Color Health
Classification: Uncertain significance for Hereditary cancer-predisposing syndrome. Last evaluated: 2025-02-03. Review status: criteria provided, single submitter. Criteria: ACMG Guidelines, 2015. Collection method: clinical testing. Allele origin: germline.
Comment: This synonymous variant alters the conserved last c.G nucleotide of exon 9 of the CHEK2 gene. Splice site prediction tools suggest that this variant may have a significant impact on RNA splicing, although this prediction has not been confirmed in published RNA studies. This variant has been reported in an individual affected with breast cancer in the literature (PMID: 25186627). This variant has been identified in 3/251444 chromosomes in the general population by the Genome Aggregation Database (gnomAD). The available evidence is insufficient to determine the role of this variant in disease conclusively. Therefore, this variant is classified as a Variant of Uncertain Significance.

Baylor Genetics
Classification: Uncertain significance for Familial cancer of breast. Last evaluated: 2024-03-29. Review status: criteria provided, single submitter. Criteria: ACMG Guidelines, 2015. Collection method: clinical testing. Allele origin: unknown.

Institute for Biomarker Research, Medical Diagnostic Laboratories, L.L.C.
Classification: Uncertain significance for Hereditary cancer-predisposing syndrome. Last evaluated: 2023-09-21. Review status: criteria provided, single submitter. Criteria: ACMG Guidelines, 2015. Collection method: clinical testing. Allele origin: germline.

Blueprint Genetics
Classification: Uncertain significance. Last evaluated: 2022-02-10. Review status: criteria provided, single submitter. Criteria: ACMG Guidelines, 2015. Collection method: clinical testing. Allele origin: germline.

Sema4
Classification: Uncertain significance for Hereditary cancer-predisposing syndrome. Last evaluated: 2021-08-05. Review status: criteria provided, single submitter. Criteria: Sema4 Curation Guidelines. Collection method: curation. Allele origin: germline.
Comment: The CHEK2 c.1008G>A (p.Q336=) variant has been reported in heterozygosity in at least one individual with breast cancer (PMID: 25186627). It was observed in 3/34590 chromosomes of the Latino subpopulation in the large and broad cohorts of the Genome Aggregation Database. The variant has been reported in ClinVar (Variation ID 279766). In silico tools suggest that the variant may disrupt the consensus splice site, though these predictions have not been confirmed by functional studies. The evidence is insufficient to meet ACMG/AMP criteria for classifying the variant as benign or pathogenic. Thus, the clinical significance of this variant is currently uncertain.

Department of Pathology and Laboratory Medicine, Sinai Health System
Classification: Uncertain significance for CHEK2-related cancer predisposition. Last evaluated: 2021-01-11. Review status: criteria provided, single submitter. Criteria: ACMG Guidelines, 2015. Collection method: clinical testing. Allele origin: germline. Affected: yes.

Genetic Services Laboratory, University of Chicago
Classification: Uncertain significance. Last evaluated: 2017-08-07. Review status: criteria provided, single submitter. Criteria: ACMG Guidelines, 2015. Collection method: clinical testing. Allele origin: germline. Affected: no.

Genomics Laboratory, Virgen de la Arrixaca University Clinical Hospital
Classification: Uncertain significance for Hereditary breast ovarian cancer syndrome. Review status: criteria provided, single submitter. Criteria: ACMG Guidelines, 2015. Collection method: clinical testing. Allele origin: germline. Affected: yes. Observed: 1 variant allele.
Comment: BP7_strong (RNA)

Literature cited by the submitters: PubMed 25186627 (cited by 5 submitters); PubMed 35245693 (cited by Women's Health and Genetics/Laboratory Corporation of America, LabCorp); PubMed 34326862 (cited by Women's Health and Genetics/Laboratory Corporation of America, LabCorp and Quest Diagnostics Nichols Institute San Juan Capistrano); PubMed 35451682 (cited by Women's Health and Genetics/Laboratory Corporation of America, LabCorp); PubMed 38075165 (cited by Women's Health and Genetics/Laboratory Corporation of America, LabCorp); PubMed 25085752 (cited by Myriad Genetics, Inc.); PubMed 37352859 (cited by Genomics Laboratory, Virgen de la Arrixaca University Clinical Hospital).